The following is an entry in ClinVar:

ClinVar aggregate classification (germline): Pathogenic/Likely pathogenic. Review status: criteria provided, multiple submitters, no conflicts (2 of 4 stars). 2 submissions from 2 submitters: Pathogenic (1); Likely pathogenic (1). Last evaluated 2026-01-28.

Conditions:
Neuronal ceroid lipofuscinosis. Also called: Neuronal Ceroid Lipofuscinoses. Identifiers: Orphanet 216, Orphanet 79263, MedGen C0027877, MONDO:0016295. Disease mechanism: loss of function.

Allele frequency attached by ClinVar (database versions not stated): gnomAD exomes 0.00001; ExAC 0.00002.

Submissions (2):

GeneDx
Classification: Likely pathogenic. Last evaluated: 2026-01-28. Review status: criteria provided, single submitter. Criteria: GeneDx Variant Classification Process June 2021. Collection method: clinical testing. Allele origin: germline.
Comment: Frameshift variant predicted to result in protein truncation or nonsense mediated decay in a gene for which loss of function is a known mechanism of disease; Not observed at significant frequency in large population cohorts (gnomAD); Has not been previously published as pathogenic or benign to our knowledge

Labcorp Genetics (formerly Invitae), Labcorp
Classification: Pathogenic for Neuronal ceroid lipofuscinosis. Last evaluated: 2025-10-08. Review status: criteria provided, single submitter. Criteria: Invitae Variant Classification Sherloc (09022015). Collection method: clinical testing. Allele origin: germline.
Comment: This sequence change creates a premature translational stop signal (p.Val318Cysfs*3) in the CTSD gene. It is expected to result in an absent or disrupted protein product. Loss-of-function variants in CTSD are known to be pathogenic (PMID: 16670177, 26059544). This variant is present in population databases (rs774781089, gnomAD 0.001%). This variant has not been reported in the literature in individuals affected with CTSD-related conditions. ClinVar contains an entry for this variant (Variation ID: 2145840). For these reasons, this variant has been classified as Pathogenic.

Literature cited by the submitters: PubMed 16670177 (cited by Labcorp Genetics (formerly Invitae), Labcorp); PubMed 26059544 (cited by Labcorp Genetics (formerly Invitae), Labcorp).

NM_001909.5(CTSD):c.952del (p.Val318fs)

Gene: CTSD (cathepsin D; minus strand). Cytogenetic location: 11p15.5.
Variant type: Deletion.
Coding change: c.952del on transcript NM_001909.5 (MANE Select); coding-DNA position 952, one base deleted (G; older notation c.952delG).
Protein change: p.Val318fs; shifts the reading frame from valine 318.
Molecular consequence: frameshift variant.
Genome position (GRCh38, 1-based): chr11:1,754,014, C deleted on the plus strand (G on the coding strand, the reverse complement: CTSD is on the minus strand). VCF-style (leftmost placement, unchanged base first): chr11-1754013-AC-A. GRCh37 (hg19) VCF-style: chr11-1775243-AC-A.
Other names: c.952del (NM_001909.4); short protein forms V318fs.
Identifiers: ClinVar variation 2145840 (VCV002145840.5), dbSNP rs774781089, ClinGen allele CA5813990.